The following is an entry in ClinVar:

NM_000091.5(COL4A3):c.2745_2746+7del

Genes: COL4A3 (collagen type IV alpha 3 chain; plus strand), MFF-DT (MFF divergent transcript; minus strand). Cytogenetic location: 2q36.3.
Variant type: Deletion.
Coding change: c.2745_2746+7del on transcript NM_000091.5 (MANE Select); coding-DNA position 2745 through 7 bases into the intron after coding-DNA position 2746, 9 bases deleted (GGGTAAGTG; older notation c.2745_2746+7delGGGTAAGTG).
Molecular consequence: splice donor variant.
Genome position (GRCh38, 1-based): chr2:227,283,855-227,283,863, GGGTAAGTG deleted; deleting any 9 consecutive bases within chr2:227,283,854-227,283,863 gives the same sequence; the c. name uses the placement nearest the transcript's 3' end. VCF-style (leftmost placement, unchanged base first): chr2-227283853-AGGGGTAAGT-A. GRCh37 (hg19) VCF-style: chr2-228148569-AGGGGTAAGT-A.
Other names: c.2745_2746+7delGGGTAAGTG (NM_000091.4).
Identifiers: ClinVar variation 2734420 (VCV002734420.4), dbSNP rs2469780330, ClinGen allele CA2586971502.

ClinVar aggregate classification (germline): Pathogenic/Likely pathogenic. Review status: criteria provided, multiple submitters, no conflicts (2 of 4 stars). 2 submissions from 2 submitters: Pathogenic (1); Likely pathogenic (1). Last evaluated 2025-01-10.

Conditions:
Alport syndrome. Also called: Hemorrhagic familial nephritis; Hemorrhagic hereditary nephritis; Congenital hereditary hematuria. Identifiers: Orphanet 63, MedGen C1567741, MONDO:0018965.

Submissions (2):

Natera, Inc.
Classification: Likely pathogenic for Alport syndrome. Last evaluated: 2025-01-10. Review status: criteria provided, single submitter. Criteria: Natera Variant Classification Schema (03/2026). Collection method: clinical testing. Allele origin: germline.
Comment: The c.2745_2746+7delGGGTAAGTG variant in COL4A3 is a deletion affecting a canonical splice donor site and part of an exon. This variant may result in a truncated or dysfunctional protein product. This variant is rare in the general population with a frequency below the threshold expected for the associated phenotype(s). This variant has been observed in one or more individuals affected with the associated recessive disease, as either homozygous or compound heterozygous with a second variant (PMID: 24052634). Given the available evidence, this variant is classified as Likely Pathogenic.

Labcorp Genetics (formerly Invitae), Labcorp
Classification: Pathogenic. Last evaluated: 2023-01-07. Review status: criteria provided, single submitter. Criteria: Invitae Variant Classification Sherloc (09022015). Collection method: clinical testing. Allele origin: germline.
Comment: For these reasons, this variant has been classified as Pathogenic. Algorithms developed to predict the effect of sequence changes on RNA splicing suggest that this variant may disrupt the consensus splice site. This variant has been observed in individual(s) with clinical features of Alport syndrome (PMID: 24052634). In at least one individual the data is consistent with being in trans (on the opposite chromosome) from a pathogenic variant. This variant is not present in population databases (gnomAD no frequency). This variant results in the deletion of part of exon 33 (c.2745_2746+7del) of the COL4A3 gene. It is expected to disrupt RNA splicing. Variants that disrupt the donor or acceptor splice site typically lead to a loss of protein function (PMID: 16199547), and loss-of-function variants in COL4A3 are known to be pathogenic (PMID: 8956999, 24854265, 26809805, 27281700).

Literature cited by the submitters: PubMed 24052634 (cited by Natera, Inc. and Labcorp Genetics (formerly Invitae), Labcorp); PubMed 16199547 (cited by Labcorp Genetics (formerly Invitae), Labcorp); PubMed 8956999 (cited by Labcorp Genetics (formerly Invitae), Labcorp); PubMed 24854265 (cited by Labcorp Genetics (formerly Invitae), Labcorp); PubMed 26809805 (cited by Labcorp Genetics (formerly Invitae), Labcorp); PubMed 27281700 (cited by Labcorp Genetics (formerly Invitae), Labcorp).